The following is an entry in ClinVar:

ClinVar aggregate classification (germline): Uncertain significance (1 of 4 stars; one submission).

Conditions:
Cardiovascular phenotype. Identifiers: MedGen CN230736.

Allele frequency attached by ClinVar (database versions not stated): gnomAD 0.00001; gnomAD exomes 0.00001; TOPMed 0.00001.
gnomAD v4.1: 13 of 1,548,690 alleles (0.00084%); highest among the groups gnomAD compares: Admixed American, 0.002%; no homozygotes.

Submission:

Ambry Genetics
Classification: Uncertain significance for Cardiovascular phenotype. Last evaluated: 2026-07-19. Review status: criteria provided, single submitter. Criteria: Ambry Variant Classification Scheme 2023. Collection method: clinical testing. Allele origin: germline.
Comment: The p.G300E variant (also known as c.899G>A), located in coding exon 1 of the ZNF469 gene, results from a G to A substitution at nucleotide position 899. The glycine at codon 300 is replaced by glutamic acid, an amino acid with similar properties. This amino acid position is conserved. In addition, this alteration is predicted to be tolerated by in silico analysis. Based on the available evidence, the clinical significance of this variant remains unclear.

NM_001367624.2(ZNF469):c.899G>A (p.Gly300Glu)

Gene: ZNF469 (zinc finger protein 469; plus strand). Cytogenetic location: 16q24.2.
Variant type: single nucleotide variant.
Coding change: c.899G>A on transcript NM_001367624.2 (MANE Select); coding-DNA position 899, G replaced by A.
Protein change: p.Gly300Glu; replaces glycine 300 with glutamic acid.
Molecular consequence: missense variant.
Genome position (GRCh38, 1-based): chr16:88,428,369, G>A. VCF-style: chr16-88428369-G-A. GRCh37 (hg19) VCF-style: chr16-88494777-G-A.
Other names: NM_001127464.1:c.899G>A; short protein forms G300E.
Identifiers: ClinVar variation 2339125 (VCV002339125.3), dbSNP rs1905854058, ClinGen allele CA397062193.